The following is an entry in ClinVar:

ClinVar aggregate classification (germline): Uncertain significance (1 of 4 stars; one submission).

Submission:

Labcorp Genetics (formerly Invitae), Labcorp
Classification: Uncertain significance. Last evaluated: 2021-12-24. Review status: criteria provided, single submitter. Criteria: Invitae Variant Classification Sherloc (09022015). Collection method: clinical testing. Allele origin: germline.
Comment: This variant is not present in population databases (gnomAD no frequency). In summary, the available evidence is currently insufficient to determine the role of this variant in disease. Therefore, it has been classified as a Variant of Uncertain Significance. Algorithms developed to predict the effect of missense changes on protein structure and function (SIFT, PolyPhen-2, Align-GVGD) all suggest that this variant is likely to be disruptive. This variant has not been reported in the literature in individuals affected with NBAS-related conditions. This sequence change replaces leucine, which is neutral and non-polar, with proline, which is neutral and non-polar, at codon 1418 of the NBAS protein (p.Leu1418Pro).

NM_015909.4(NBAS):c.4253T>C (p.Leu1418Pro)

Gene: NBAS (NBAS subunit of NRZ tethering complex; minus strand). Cytogenetic location: 2p24.3.
Variant type: single nucleotide variant.
Coding change: c.4253T>C on transcript NM_015909.4 (MANE Select); coding-DNA position 4253, T replaced by C.
Protein change: p.Leu1418Pro; replaces leucine 1418 with proline.
Molecular consequence: missense variant. On other transcripts: non-coding transcript variant (1).
Genome position (GRCh38, 1-based): chr2:15,330,692, A>G on the plus strand (T>C on the coding strand, the complement: NBAS is on the minus strand). VCF-style: chr2-15330692-A-G. GRCh37 (hg19) VCF-style: chr2-15470816-A-G.
Other names: short protein forms L1418P.
Identifiers: ClinVar variation 2110909 (VCV002110909.4), dbSNP rs2528426469, ClinGen allele CA345881684.